The following is an entry in ClinVar:

ClinVar aggregate classification (germline): Uncertain significance (1 of 4 stars; one submission).

Allele frequency attached by ClinVar (database versions not stated): gnomAD 0.00001; TOPMed 0.00001.
gnomAD v4.1: 2 of 1,601,384 alleles (0.00012%); highest among the groups gnomAD compares: African/African-American, 0.0013%; no homozygotes.

Submission:

GeneDx
Classification: Uncertain significance. Last evaluated: 2022-08-22. Review status: criteria provided, single submitter. Criteria: GeneDx Variant Classification Process June 2021. Collection method: clinical testing. Allele origin: germline. Affected: yes.
Comment: Not observed at significant frequency in large population cohorts (gnomAD); In silico analysis supports that this missense variant has a deleterious effect on protein structure/function; Has not been previously published as pathogenic or benign to our knowledge

NM_006793.5(PRDX3):c.319G>A (p.Val107Met)

Gene: PRDX3 (peroxiredoxin 3; minus strand). Cytogenetic location: 10q26.11.
Variant type: single nucleotide variant.
Coding change: c.319G>A on transcript NM_006793.5 (MANE Select); coding-DNA position 319, G replaced by A.
Protein change: p.Val107Met; replaces valine 107 with methionine.
Molecular consequence: missense variant. On other transcripts: non-coding transcript variant (2).
Genome position (GRCh38, 1-based): chr10:119,173,865, C>T on the plus strand (G>A on the coding strand, the complement: PRDX3 is on the minus strand). VCF-style: chr10-119173865-C-T. GRCh37 (hg19) VCF-style: chr10-120933377-C-T.
Other names: c.319G>A, p.Val107Met (NM_001302272.2); short protein forms V107M.
Identifiers: ClinVar variation 2430737 (VCV002430737.1), dbSNP rs1160925831, ClinGen allele CA378287904.